The following is an entry in ClinVar:

NM_052867.4(NALCN):c.4977C>G (p.Asp1659Glu)

Genes: NALCN-AS1 (NALCN antisense RNA 1; plus strand), NALCN (sodium leak channel, non-selective; minus strand). Cytogenetic location: 13q32.3.
Variant type: single nucleotide variant.
Coding change: c.4977C>G on transcript NM_052867.4 (MANE Select); coding-DNA position 4977, C replaced by G.
Protein change: p.Asp1659Glu; replaces aspartic acid 1659 with glutamic acid.
Molecular consequence: missense variant. On other transcripts: non-coding transcript variant (1).
Genome position (GRCh38, 1-based): chr13:101,057,985, G>C on the plus strand (C>G on the coding strand, the complement: NALCN is on the minus strand). VCF-style: chr13-101057985-G-C. GRCh37 (hg19) VCF-style: chr13-101710337-G-C.
Other names: c.5064C>G, p.Asp1688Glu (NM_001350748.2); c.4977C>G, p.Asp1659Glu (NM_001350749.2); c.4890C>G, p.Asp1630Glu (NM_001350750.2, NM_001350751.2); short protein forms D1659E, D1630E, D1688E.
Identifiers: ClinVar variation 502132 (VCV000502132.19), dbSNP rs78817184, ClinGen allele CA7034957.
Genomic context (GRCh38, chr13:101,057,985, plus strand): 5'-CTGGATGGACCTACCTGAGGGCAGACGCCACTGCCCAAATTTCCTCTGGGGTTTCCCTGC[G>C]TCGGCTGCATCTTGCCGACTTCCTCCTCGATCCGACAGCGTGGGGCTCAGGAGCTGCTGC-3'
Protein context (NP_443099.1, residues 1649-1669): DRGGSRQDAA[Asp1659Glu]AGKPQRKFGQ

ClinVar aggregate classification (germline): Conflicting classifications of pathogenicity. Review status: criteria provided, conflicting classifications (1 of 4 stars). 5 submissions from 5 submitters: Uncertain significance (1); Likely benign (3). 1 of the submissions does not count toward it. Last evaluated 2026-01-07.

Conditions:
Inborn genetic diseases. Identifiers: MedGen C0950123, MeSH D030342.
NALCN-related disorder. Also called: NALCN-related disorders; NALCN-related condition.

Allele frequency attached by ClinVar (database versions not stated): 1000 Genomes Project 0.00120; 1000 Genomes Project 30x 0.00125; TOPMed 0.00166.
gnomAD v4.1: 484 of 1,613,936 alleles (0.03%); highest among the groups gnomAD compares: African/African-American, 0.51%; 1 homozygote.

Submissions (5):

Labcorp Genetics (formerly Invitae), Labcorp
Classification: Likely benign. Last evaluated: 2026-01-07. Review status: criteria provided, single submitter. Criteria: Invitae Variant Classification Sherloc (09022015). Collection method: clinical testing. Allele origin: germline.

Ambry Genetics
Classification: Likely benign for Inborn genetic diseases. Last evaluated: 2024-10-01. Review status: criteria provided, single submitter. Criteria: Ambry Variant Classification Scheme 2023. Collection method: clinical testing. Allele origin: germline.

GeneDx
Classification: Likely benign. Last evaluated: 2021-01-27. Review status: criteria provided, single submitter. Criteria: GeneDx Variant Classification Process June 2021. Collection method: clinical testing. Allele origin: germline. Affected: yes.

Eurofins Ntd Llc (ga)
Classification: Uncertain significance. Last evaluated: 2017-05-30. Review status: criteria provided, single submitter. Criteria: EGL Classification Definitions 2015. Collection method: clinical testing. Allele origin: germline. Observed: 1 variant allele, 1 heterozygote.

PreventionGenetics, part of Exact Sciences
Classification: Likely benign for NALCN-related condition. Last evaluated: 2019-05-15. Review status: no assertion criteria provided. Collection method: clinical testing. Allele origin: germline. Not counted in ClinVar's aggregate classification.
Comment: This variant is classified as likely benign based on ACMG/AMP sequence variant interpretation guidelines (Richards et al. 2015 PMID: 25741868, with internal and published modifications).